The following is an entry in ClinVar:

ClinVar aggregate classification (germline): Pathogenic. Review status: criteria provided, multiple submitters, no conflicts (2 of 4 stars). 2 submissions from 2 submitters: Pathogenic (2). Last evaluated 2025-04-04.

Conditions:
Glycogen storage disease, type IV (GSD4). Also called: AMYLOPECTINOSIS; ANDERSEN DISEASE; BRANCHER DEFICIENCY; CIRRHOSIS, FAMILIAL, WITH DEPOSITION OF ABNORMAL GLYCOGEN; GBE1 DEFICIENCY; GLYCOGEN BRANCHING ENZYME DEFICIENCY. Identifiers: Orphanet 367, MedGen C0017923, MONDO:0009292, OMIM 232500.
Glycogen storage disease IV, classic hepatic. Also called: GSD IV, CLASSIC HEPATIC. Identifiers: MedGen C1856301.

Allele frequency attached by ClinVar (database versions not stated): ExAC 0.00002.
gnomAD v4.1: 3 of 1,608,018 alleles (0.00019%); highest among the groups gnomAD compares: Non-Finnish European, 0.00026%; no homozygotes.

Submissions (2):

Myriad Genetics, Inc.
Classification: Pathogenic for Glycogen storage disease, type IV. Last evaluated: 2025-04-04. Review status: criteria provided, single submitter. Criteria: Myriad Autosomal Dominant, Autosomal Recessive and X-Linked Classification Criteria (2023). Collection method: clinical testing. Allele origin: unknown.
Comment: NM_000158.3(GBE1):c.136C>T(Q46*) is a nonsense variant classified as pathogenic in the context of glycogen storage disease, GBE1-related. Q46* has not been observed in cases with relevant disease. Relevant functional assessments of this variant are not available in the literature. Q46* has been observed in referenced population frequency databases. In summary, NM_000158.3(GBE1):c.136C>T(Q46*) is a nonsense variant in a gene where loss of function is a known mechanism of disease and is predicted to disrupt protein function. Please note: this variant was assessed in the context of healthy population screening.

Labcorp Genetics (formerly Invitae), Labcorp
Classification: Pathogenic for Glycogen storage disease, type IV; Glycogen storage disease IV, classic hepatic. Last evaluated: 2025-01-23. Review status: criteria provided, single submitter. Criteria: Invitae Variant Classification Sherloc (09022015). Collection method: clinical testing. Allele origin: germline.
Comment: This sequence change creates a premature translational stop signal (p.Gln46*) in the GBE1 gene. It is expected to result in an absent or disrupted protein product. Loss-of-function variants in GBE1 are known to be pathogenic (PMID: 15452297, 20058079). This variant is present in population databases (rs758286394, gnomAD 0.002%). This variant has not been reported in the literature in individuals affected with GBE1-related conditions. ClinVar contains an entry for this variant (Variation ID: 2936505). For these reasons, this variant has been classified as Pathogenic.

Literature cited by the submitters: PubMed 15452297 (cited by Labcorp Genetics (formerly Invitae), Labcorp); PubMed 20058079 (cited by Labcorp Genetics (formerly Invitae), Labcorp).

NM_000158.4(GBE1):c.136C>T (p.Gln46Ter)

Gene: GBE1 (1,4-alpha-glucan branching enzyme 1; minus strand). Cytogenetic location: 3p12.2.
Variant type: single nucleotide variant.
Coding change: c.136C>T on transcript NM_000158.4 (MANE Select); coding-DNA position 136, C replaced by T.
Protein change: p.Gln46Ter; replaces glutamine 46 with a stop codon.
Molecular consequence: nonsense.
Genome position (GRCh38, 1-based): chr3:81,761,382, G>A on the plus strand (C>T on the coding strand, the complement: GBE1 is on the minus strand). VCF-style: chr3-81761382-G-A. GRCh37 (hg19) VCF-style: chr3-81810533-G-A.
Other names: short protein forms Q46*.
Identifiers: ClinVar variation 2936505 (VCV002936505.4), dbSNP rs758286394, ClinGen allele CA2500081.